The following is an entry in ClinVar:

NM_001372051.1(CASP8):c.1378G>T (p.Gly460Trp)

Gene: CASP8 (caspase 8; plus strand). Cytogenetic location: 2q33.1.
Variant type: single nucleotide variant.
Coding change: c.1378G>T on transcript NM_001372051.1 (MANE Select); coding-DNA position 1378, G replaced by T.
Protein change: p.Gly460Trp; replaces glycine 460 with tryptophan.
Molecular consequence: missense variant. On other transcripts: non-coding transcript variant (22).
Genome position (GRCh38, 1-based): chr2:201,286,532, G>T. VCF-style: chr2-201286532-G-T. GRCh37 (hg19) VCF-style: chr2-202151255-G-T.
Other names: c.1333G>T, p.Gly445Trp (NM_001080124.2, NM_001400658.1, NM_001400659.1 and 5 more transcripts); c.1555G>T, p.Gly519Trp (NM_001080125.2); c.1429G>T, p.Gly477Trp (NM_001228.5); c.1510G>T, p.Gly504Trp (NM_001400642.1); c.1411G>T, p.Gly471Trp (NM_001400645.1); c.1378G>T, p.Gly460Trp (NM_001400648.1, NM_001400651.1, NM_001400653.1 and 5 more transcripts); c.1309G>T, p.Gly437Trp (NM_001400664.1); c.1303G>T, p.Gly435Trp (NM_001400665.1); and 7 more; short protein forms G246W, G435W, G519W, G255W, G311W, G391W, G437W, G445W.
Identifiers: ClinVar variation 2057981 (VCV002057981.4), dbSNP rs1345153934, ClinGen allele CA350303957.

ClinVar aggregate classification (germline): Uncertain significance (1 of 4 stars; one submission).

Conditions:
Autoimmune lymphoproliferative syndrome type 2B. Also called: AUTOIMMUNE LYMPHOPROLIFERATIVE SYNDROME, TYPE IIB. Identifiers: Orphanet 275517, MedGen C1846545, MONDO:0011804, OMIM 607271.

Allele frequency attached by ClinVar (database versions not stated): gnomAD 0.00001; TOPMed 0.00001.
gnomAD v4.1: 8 of 1,613,850 alleles (0.0005%); highest among the groups gnomAD compares: Non-Finnish European, 0.00068%; no homozygotes.

Submission:

Labcorp Genetics (formerly Invitae), Labcorp
Classification: Uncertain significance for Autoimmune lymphoproliferative syndrome type 2B. Last evaluated: 2022-05-15. Review status: criteria provided, single submitter. Criteria: Invitae Variant Classification Sherloc (09022015). Collection method: clinical testing. Allele origin: germline.
Comment: This sequence change replaces glycine, which is neutral and non-polar, with tryptophan, which is neutral and slightly polar, at codon 477 of the CASP8 protein (p.Gly477Trp). This variant is not present in population databases (gnomAD no frequency). This variant has not been reported in the literature in individuals affected with CASP8-related conditions. Algorithms developed to predict the effect of missense changes on protein structure and function are either unavailable or do not agree on the potential impact of this missense change (SIFT: "Deleterious"; PolyPhen-2: "Benign"; Align-GVGD: "Class C0"). In summary, the available evidence is currently insufficient to determine the role of this variant in disease. Therefore, it has been classified as a Variant of Uncertain Significance.